The following is an entry in ClinVar:

NM_003664.5(AP3B1):c.2438C>G (p.Thr813Ser)

Gene: AP3B1 (adaptor related protein complex 3 subunit beta 1; minus strand). Cytogenetic location: 5q14.1.
Variant type: single nucleotide variant.
Coding change: c.2438C>G on transcript NM_003664.5 (MANE Select); coding-DNA position 2438, C replaced by G.
Protein change: p.Thr813Ser; replaces threonine 813 with serine.
Molecular consequence: missense variant.
Genome position (GRCh38, 1-based): chr5:78,100,985, G>C on the plus strand (C>G on the coding strand, the complement: AP3B1 is on the minus strand). VCF-style: chr5-78100985-G-C. GRCh37 (hg19) VCF-style: chr5-77396809-G-C.
Other names: c.2291C>G, p.Thr764Ser (NM_001271769.2); c.2438C>G, p.Thr813Ser (NM_001410752.1); short protein forms T813S, T764S.
Identifiers: ClinVar variation 2768452 (VCV002768452.3), dbSNP rs2530933755, ClinGen allele CA360333530.

ClinVar aggregate classification (germline): Uncertain significance (1 of 4 stars; one submission).

Conditions:
Hermansky-Pudlak syndrome 2 (HPS2). Also called: Platelet defects and oculocutaneous albinism. Identifiers: Orphanet 183678, Orphanet 79430, MedGen C1842362, MONDO:0011997, OMIM 608233.

Submission:

Labcorp Genetics (formerly Invitae), Labcorp
Classification: Uncertain significance for Hermansky-Pudlak syndrome 2. Last evaluated: 2023-11-17. Review status: criteria provided, single submitter. Criteria: Invitae Variant Classification Sherloc (09022015). Collection method: clinical testing. Allele origin: germline.
Comment: This sequence change replaces threonine, which is neutral and polar, with serine, which is neutral and polar, at codon 813 of the AP3B1 protein (p.Thr813Ser). This variant is not present in population databases (gnomAD no frequency). This variant has not been reported in the literature in individuals affected with AP3B1-related conditions. Algorithms developed to predict the effect of missense changes on protein structure and function output the following: SIFT: "Not Available"; PolyPhen-2: "Benign"; Align-GVGD: "Not Available". The serine amino acid residue is found in multiple mammalian species, which suggests that this missense change does not adversely affect protein function. In summary, the available evidence is currently insufficient to determine the role of this variant in disease. Therefore, it has been classified as a Variant of Uncertain Significance.